The following is an entry in ClinVar:

ClinVar aggregate classification (germline): Benign (0 of 4 stars; one submission).

Conditions:
CHGB-related disorder. Also called: CHGB-related condition.

Allele frequency attached by ClinVar (database versions not stated): 1000 Genomes Project 30x 0.00016; 1000 Genomes Project 0.00020; ESP Exome Variant Server 0.00077; TOPMed 0.00087; gnomAD 0.00093; ExAC 0.00095.
gnomAD v4.1: 1,164 of 1,613,796 alleles (0.072%); highest among the groups gnomAD compares: Middle Eastern, 0.099%; 5 homozygotes.

Submission:

PreventionGenetics, part of Exact Sciences
Classification: Benign for CHGB-related condition. Last evaluated: 2019-09-17. Review status: no assertion criteria provided. Collection method: clinical testing. Allele origin: germline.
Comment: This variant is classified as benign based on ACMG/AMP sequence variant interpretation guidelines (Richards et al. 2015 PMID: 25741868, with internal and published modifications).

NM_001819.3(CHGB):c.1051G>A (p.Val351Ile)

Gene: CHGB (chromogranin B; plus strand). Cytogenetic location: 20p12.3.
Variant type: single nucleotide variant.
Coding change: c.1051G>A on transcript NM_001819.3 (MANE Select); coding-DNA position 1051, G replaced by A.
Protein change: p.Val351Ile; replaces valine 351 with isoleucine.
Molecular consequence: missense variant.
Genome position (GRCh38, 1-based): chr20:5,923,195, G>A. VCF-style: chr20-5923195-G-A. GRCh37 (hg19) VCF-style: chr20-5903841-G-A.
Other names: short protein forms V351I.
Identifiers: ClinVar variation 3039823 (VCV003039823.2), dbSNP rs149324011, ClinGen allele CA9755642.